The following is an entry in ClinVar:

ClinVar aggregate classification (germline): Uncertain significance (1 of 4 stars; one submission).

Submission:

Labcorp Genetics (formerly Invitae), Labcorp
Classification: Uncertain significance. Last evaluated: 2023-01-24. Review status: criteria provided, single submitter. Criteria: Invitae Variant Classification Sherloc (09022015). Collection method: clinical testing. Allele origin: germline.
Comment: This variant occurs in a non-coding region of the KCNJ11 gene. It does not change the encoded amino acid sequence of the KCNJ11 protein. This variant is not present in population databases (gnomAD no frequency). This variant has not been reported in the literature in individuals affected with KCNJ11-related conditions. Experimental studies and prediction algorithms are not available or were not evaluated, and the functional significance of this variant is currently unknown. In summary, the available evidence is currently insufficient to determine the role of this variant in disease. Therefore, it has been classified as a Variant of Uncertain Significance.

NM_000525.4(KCNJ11):c.-134G>A

Gene: KCNJ11 (potassium inwardly rectifying channel subfamily J member 11; minus strand). Cytogenetic location: 11p15.1.
Variant type: single nucleotide variant.
Coding change: c.-134G>A on transcript NM_000525.4 (MANE Select); 134 bases upstream of the start codon, G replaced by A.
Molecular consequence: 5 prime UTR variant. On other transcripts: intron variant (3).
Genome position (GRCh38, 1-based): chr11:17,388,225, C>T on the plus strand (G>A on the coding strand, the complement: KCNJ11 is on the minus strand). VCF-style: chr11-17388225-C-T. GRCh37 (hg19) VCF-style: chr11-17409772-C-T.
Other names: c.-16-379G>A (NM_001166290.2, NM_001377297.1); c.-75-149G>A (NM_001377296.1).
Identifiers: ClinVar variation 2079244 (VCV002079244.4), dbSNP rs387906398, ClinGen allele CA2580082782.